The following is an entry in ClinVar:

NM_000179.3(MSH6):c.236C>T (p.Ser79Leu)

Gene: MSH6 (mutS homolog 6; plus strand). Cytogenetic location: 2p16.3.
Variant type: single nucleotide variant.
Coding change: c.236C>T on transcript NM_000179.3 (MANE Select); coding-DNA position 236, C replaced by T.
Protein change: p.Ser79Leu; replaces serine 79 with leucine.
Molecular consequence: missense variant. On other transcripts: 5 prime UTR variant (1).
Genome position (GRCh38, 1-based): chr2:47,783,469, C>T. VCF-style: chr2-47783469-C-T. GRCh37 (hg19) VCF-style: chr2-48010608-C-T.
Other names: c.236C>T, p.Ser79Leu (NM_001281492.2); c.-501C>T (NM_001281493.2); short protein forms S79L.
Identifiers: ClinVar variation 455193 (VCV000455193.18), dbSNP rs1428717797, ClinGen allele CA346735110.

ClinVar aggregate classification (germline): Conflicting classifications of pathogenicity. Review status: criteria provided, conflicting classifications (1 of 4 stars). 5 submissions from 5 submitters: Uncertain significance (4); Likely benign (1). Last evaluated 2025-08-12.

Conditions:
Hereditary nonpolyposis colorectal neoplasms. Identifiers: MedGen C0009405, MeSH D003123.
Hereditary cancer. Identifiers: MedGen C1333600.
Hereditary cancer-predisposing syndrome. Also called: Hereditary Cancer Syndrome; Hereditary neoplastic syndrome; Neoplastic Syndromes, Hereditary; Tumor predisposition. Identifiers: Orphanet 140162, MedGen C0027672, MeSH D009386, MONDO:0015356.

Allele frequency attached by ClinVar (database versions not stated): TOPMed 0.00001.
gnomAD v4.1: 2 of 1,446,292 alleles (0.00014%); highest among the groups gnomAD compares: Middle Eastern, 0.019%; no homozygotes.

Submissions (5):

Ambry Genetics
Classification: Uncertain significance for Hereditary cancer-predisposing syndrome. Last evaluated: 2025-08-12. Review status: criteria provided, single submitter. Criteria: Ambry Variant Classification Scheme 2023. Collection method: clinical testing. Allele origin: germline.
Comment: The p.S79L variant (also known as c.236C>T), located in coding exon 1 of the MSH6 gene, results from a C to T substitution at nucleotide position 236. The serine at codon 79 is replaced by leucine, an amino acid with dissimilar properties. This amino acid position is not well conserved in available vertebrate species. In addition, this alteration is predicted to be tolerated by in silico analysis. Since supporting evidence is limited at this time, the clinical significance of this alteration remains unclear.

Labcorp Genetics (formerly Invitae), Labcorp
Classification: Uncertain significance for Hereditary nonpolyposis colorectal neoplasms. Last evaluated: 2025-06-16. Review status: criteria provided, single submitter. Criteria: Invitae Variant Classification Sherloc (09022015). Collection method: clinical testing. Allele origin: germline.
Comment: This sequence change replaces serine, which is neutral and polar, with leucine, which is neutral and non-polar, at codon 79 of the MSH6 protein (p.Ser79Leu). This variant is not present in population databases (gnomAD no frequency). This variant has not been reported in the literature in individuals affected with MSH6-related conditions. ClinVar contains an entry for this variant (Variation ID: 455193). Invitae Evidence Modeling of protein sequence and biophysical properties (such as structural, functional, and spatial information, amino acid conservation, physicochemical variation, residue mobility, and thermodynamic stability) indicates that this missense variant is not expected to disrupt MSH6 protein function with a negative predictive value of 95%. In summary, the available evidence is currently insufficient to determine the role of this variant in disease. Therefore, it has been classified as a Variant of Uncertain Significance.

Mendelics
Classification: Likely benign for Hereditary cancer. Last evaluated: 2024-09-11. Review status: criteria provided, single submitter. Criteria: ACMG Guidelines, 2015. Collection method: clinical testing. Allele origin: unknown.
Comment: This variant is considered likely benign or benign based on one or more of the following: it is predicted to be benign by multiple in silico algorithms, and/or has population frequency not consistent with disease, and/or has normal protein function, and/or has lack of segregation with disease, and/or has been detected in co-occurrence with known pathogenic variant, and/or has lack of disease association in case-control studies, and/or is located in a region inconsistent with a known cause of pathogenicity.

GeneDx
Classification: Uncertain significance. Last evaluated: 2019-06-25. Review status: criteria provided, single submitter. Criteria: GeneDx Variant Classification Process June 2021. Collection method: clinical testing. Allele origin: germline. Affected: yes.
Comment: Not observed in large population cohorts (Lek et al., 2016); In silico analysis, which includes protein predictors and evolutionary conservation, supports that this variant does not alter protein structure/function; Has not been previously published as pathogenic or benign to our knowledge

Color Diagnostics, LLC DBA Color Health
Classification: Uncertain significance for Hereditary cancer-predisposing syndrome. Last evaluated: 2019-05-15. Review status: criteria provided, single submitter. Criteria: ACMG Guidelines, 2015. Collection method: clinical testing. Allele origin: germline.